The following is an entry in ClinVar:

ClinVar aggregate classification (germline): Benign (1 of 4 stars; one submission).

Allele frequency attached by ClinVar (database versions not stated): gnomAD exomes 0.42050; gnomAD 0.50017 and 0.50058; TOPMed 0.51279; 1000 Genomes Project 0.56789; 1000 Genomes Project 30x 0.57308.
gnomAD v4.1: 342,604 of 784,890 alleles (44%); highest among the groups gnomAD compares: African/African-American, 74%; 79,500 homozygotes.

Submission:

GeneDx
Classification: Benign. Last evaluated: 2018-06-14. Review status: criteria provided, single submitter. Criteria: GeneDx Variant Classification (06012015). Collection method: clinical testing. Allele origin: germline. Affected: yes.
Comment: This variant is considered likely benign or benign based on one or more of the following criteria: it is a conservative change, it occurs at a poorly conserved position in the protein, it is predicted to be benign by multiple in silico algorithms, and/or has population frequency not consistent with disease.

NM_001101426.4(CRPPA):c.258-125T>A

Gene: CRPPA (CDP-L-ribitol pyrophosphorylase A; minus strand). Cytogenetic location: 7p21.2.
Variant type: single nucleotide variant.
Coding change: c.258-125T>A on transcript NM_001101426.4 (MANE Select); 125 bases into the intron before coding-DNA position 258, T replaced by A.
Molecular consequence: intron variant.
Genome position (GRCh38, 1-based): chr7:16,406,462, A>T on the plus strand (T>A on the coding strand, the complement: CRPPA is on the minus strand). VCF-style: chr7-16406462-A-T. GRCh37 (hg19) VCF-style: chr7-16446087-A-T.
Other names: c.258-125T>A (NM_001101417.4, NM_001368197.1).
Identifiers: ClinVar variation 681992 (VCV000681992.1), dbSNP rs3903222, ClinGen allele CA12532947.